The following is an entry in ClinVar:

ClinVar aggregate classification (germline): Uncertain significance (1 of 4 stars; one submission).

Conditions:
Deficiency of adenosine deaminase 2. Also called: VASCULITIS, AUTOINFLAMMATION, IMMUNODEFICIENCY, AND HEMATOLOGIC DEFECTS SYNDROME; Polyarteritis nodosa, childhoood-onset; Adenosine Deaminase 2 Deficiency. Identifiers: Orphanet 404553, MedGen C3887654, MONDO:0014306, OMIM 615688, MONDO:0100317.

Allele frequency attached by ClinVar (database versions not stated): TOPMed 0.00001.

Submission:

Labcorp Genetics (formerly Invitae), Labcorp
Classification: Uncertain significance for Deficiency of adenosine deaminase 2. Last evaluated: 2022-07-19. Review status: criteria provided, single submitter. Criteria: Invitae Variant Classification Sherloc (09022015). Collection method: clinical testing. Allele origin: germline.
Comment: This variant is not present in population databases (gnomAD no frequency). This sequence change replaces glycine, which is neutral and non-polar, with glutamic acid, which is acidic and polar, at codon 285 of the ADA2 protein (p.Gly285Glu). This variant has not been reported in the literature in individuals affected with ADA2-related conditions. In summary, the available evidence is currently insufficient to determine the role of this variant in disease. Therefore, it has been classified as a Variant of Uncertain Significance. Algorithms developed to predict the effect of missense changes on protein structure and function are either unavailable or do not agree on the potential impact of this missense change (SIFT: "Deleterious"; PolyPhen-2: "Probably Damaging"; Align-GVGD: "Class C15"). ClinVar contains an entry for this variant (Variation ID: 1405369).

NM_001282225.2(ADA2):c.854G>A (p.Gly285Glu)

Gene: ADA2 (adenosine deaminase 2; minus strand). Cytogenetic location: 22q11.1.
Variant type: single nucleotide variant.
Coding change: c.854G>A on transcript NM_001282225.2 (MANE Select); coding-DNA position 854, G replaced by A.
Protein change: p.Gly285Glu; replaces glycine 285 with glutamic acid.
Molecular consequence: missense variant.
Genome position (GRCh38, 1-based): chr22:17,191,710, C>T on the plus strand (G>A on the coding strand, the complement: ADA2 is on the minus strand). VCF-style: chr22-17191710-C-T. GRCh37 (hg19) VCF-style: chr22-17672600-C-T.
Other names: c.854G>A, p.Gly285Glu (NM_001282226.2); c.728G>A, p.Gly243Glu (NM_001282227.2, NM_001282228.2); c.494G>A, p.Gly165Glu (NM_001282229.2); c.131G>A, p.Gly44Glu (NM_177405.3); short protein forms G165E, G285E, G44E, G243E.
Identifiers: ClinVar variation 1405369 (VCV001405369.6), dbSNP rs2062117251, ClinGen allele CA410225371.